The following is an entry in ClinVar:

NM_138927.4(SON):c.1434G>T (p.Glu478Asp)

Genes: MIR6501 (microRNA 6501; plus strand), SON (SON DNA and RNA binding protein; plus strand). Cytogenetic location: 21q22.11.
Variant type: single nucleotide variant.
Coding change: c.1434G>T on transcript NM_138927.4 (MANE Select); coding-DNA position 1434, G replaced by T.
Protein change: p.Glu478Asp; replaces glutamic acid 478 with aspartic acid.
Molecular consequence: missense variant. On other transcripts: non-coding transcript variant (2), intron variant (1).
Genome position (GRCh38, 1-based): chr21:33,550,665, G>T. VCF-style: chr21-33550665-G-T. GRCh37 (hg19) VCF-style: chr21-34922971-G-T.
Other names: c.1434G>T, p.Glu478Asp (NM_001291411.2, NM_032195.3); c.244+4286G>T (NM_001291412.3); short protein forms E478D.
Identifiers: ClinVar variation 3360677 (VCV003360677.1).

ClinVar aggregate classification (germline): Uncertain significance (1 of 4 stars; one submission).

Submission:

GeneDx
Classification: Uncertain significance. Last evaluated: 2023-06-30. Review status: criteria provided, single submitter. Criteria: GeneDx Variant Classification Process June 2021. Collection method: clinical testing. Allele origin: germline. Affected: yes.
Comment: Not observed at significant frequency in large population cohorts (gnomAD); In silico analysis supports that this missense variant does not alter protein structure/function; Has not been previously published as pathogenic or benign to our knowledge